The following is an entry in ClinVar:

ClinVar aggregate classification (germline): Uncertain significance. Review status: criteria provided, multiple submitters, no conflicts (2 of 4 stars). 3 submissions from 3 submitters: Uncertain significance (3). Last evaluated 2023-03-24.

Conditions:
Inborn genetic diseases. Identifiers: MedGen C0950123, MeSH D030342.
Combined oxidative phosphorylation defect type 17. Also called: Combined oxidative phosphorylation deficiency 17. Identifiers: Orphanet 369913, MedGen C3809526, MONDO:0014190, OMIM 615440.

Allele frequency attached by ClinVar (database versions not stated): ExAC 0.00001; gnomAD exomes 0.00004 and 0.00020; TOPMed 0.00005; gnomAD 0.00006 and 0.00007.
gnomAD v4.1: 299 of 1,610,738 alleles (0.019%); highest among the groups gnomAD compares: Non-Finnish European, 0.024%; no homozygotes.

Submissions (3):

Ambry Genetics
Classification: Uncertain significance for Inborn genetic diseases. Last evaluated: 2023-03-24. Review status: criteria provided, single submitter. Criteria: Ambry Variant Classification Scheme 2023. Collection method: clinical testing. Allele origin: germline.

Labcorp Genetics (formerly Invitae), Labcorp
Classification: Uncertain significance for Combined oxidative phosphorylation defect type 17. Last evaluated: 2022-08-16. Review status: criteria provided, single submitter. Criteria: Invitae Variant Classification Sherloc (09022015). Collection method: clinical testing. Allele origin: germline.
Comment: This sequence change replaces histidine, which is basic and polar, with arginine, which is basic and polar, at codon 600 of the ELAC2 protein (p.His600Arg). This variant is present in population databases (rs764718787, gnomAD 0.009%). This variant has not been reported in the literature in individuals affected with ELAC2-related conditions. ClinVar contains an entry for this variant (Variation ID: 408864). Algorithms developed to predict the effect of missense changes on protein structure and function (SIFT, PolyPhen-2, Align-GVGD) all suggest that this variant is likely to be tolerated. In summary, the available evidence is currently insufficient to determine the role of this variant in disease. Therefore, it has been classified as a Variant of Uncertain Significance.

ARUP Laboratories, Molecular Genetics and Genomics, ARUP Laboratories
Classification: Uncertain significance. Last evaluated: 2019-08-09. Review status: criteria provided, single submitter. Criteria: ARUP Molecular Germline Variant Investigation Process. Collection method: clinical testing. Allele origin: germline.

NM_018127.7(ELAC2):c.1799A>G (p.His600Arg)

Gene: ELAC2 (elaC ribonuclease Z 2; minus strand). Cytogenetic location: 17p12.
Variant type: single nucleotide variant.
Coding change: c.1799A>G on transcript NM_018127.7 (MANE Select); coding-DNA position 1799, A replaced by G.
Protein change: p.His600Arg; replaces histidine 600 with arginine.
Molecular consequence: missense variant.
Genome position (GRCh38, 1-based): chr17:12,995,712, T>C on the plus strand (A>G on the coding strand, the complement: ELAC2 is on the minus strand). VCF-style: chr17-12995712-T-C. GRCh37 (hg19) VCF-style: chr17-12899029-T-C.
Other names: c.1679A>G, p.His560Arg (NM_001165962.2); c.1796A>G, p.His599Arg (NM_173717.2); short protein forms H600R, H560R, H599R.
Identifiers: ClinVar variation 408864 (VCV000408864.14), dbSNP rs764718787, ClinGen allele CA8401071.